The following is an entry in ClinVar:

NM_001197104.2(KMT2A):c.1973C>G (p.Pro658Arg)

Gene: KMT2A (lysine methyltransferase 2A; plus strand). Cytogenetic location: 11q23.3.
Variant type: single nucleotide variant.
Coding change: c.1973C>G on transcript NM_001197104.2 (MANE Select); coding-DNA position 1973, C replaced by G.
Protein change: p.Pro658Arg; replaces proline 658 with arginine.
Molecular consequence: missense variant.
Genome position (GRCh38, 1-based): chr11:118,473,132, C>G. VCF-style: chr11-118473132-C-G. GRCh37 (hg19) VCF-style: chr11-118343847-C-G.
Other names: c.2072C>G, p.Pro691Arg (NM_001412597.1); c.1973C>G, p.Pro658Arg (NM_005933.4); short protein forms P658R, P691R.
Identifiers: ClinVar variation 3678449 (VCV003678449.2).
Genomic context (GRCh38, chr11:118,473,132, plus strand): 5'-CCAAAGAAGGTCTTATTCGCAAACCAATATTTGATAATTTCCGACCCCCTCCACTAACTC[C>G]CGAGGACGTTGGCTTTGCATCTGGTTTTTCTGCATCTGGTACCGCTGCTTCAGCCCGATT-3'
Protein context (NP_001184033.1, residues 648-668): FDNFRPPPLT[Pro658Arg]EDVGFASGFS

ClinVar aggregate classification (germline): Uncertain significance (1 of 4 stars; one submission).

gnomAD v4.1: 2 of 1,614,136 alleles (0.00012%); highest among the groups gnomAD compares: Non-Finnish European, 0.00017%; no homozygotes.

Submission:

Labcorp Genetics (formerly Invitae), Labcorp
Classification: Uncertain significance. Last evaluated: 2025-03-31. Review status: criteria provided, single submitter. Criteria: Invitae Variant Classification Sherloc (09022015). Collection method: clinical testing. Allele origin: germline.
Comment: This sequence change replaces proline, which is neutral and non-polar, with arginine, which is basic and polar, at codon 658 of the KMT2A protein (p.Pro658Arg). This variant is present in population databases (no rsID available, gnomAD 0.0009%). This variant has not been reported in the literature in individuals affected with KMT2A-related conditions. Invitae Evidence Modeling of protein sequence and biophysical properties (such as structural, functional, and spatial information, amino acid conservation, physicochemical variation, residue mobility, and thermodynamic stability) has been performed for this missense variant. However, the output from this modeling did not meet the statistical confidence thresholds required to predict the impact of this variant on KMT2A protein function. In summary, the available evidence is currently insufficient to determine the role of this variant in disease. Therefore, it has been classified as a Variant of Uncertain Significance.